The following is an entry in ClinVar:

ClinVar aggregate classification (germline): Pathogenic (1 of 4 stars; one submission).

Conditions:
Neuronal ceroid lipofuscinosis 7 (CLN7). Also called: MFSD8-Related Neuronal Ceroid-Lipofuscinosis. Identifiers: Orphanet 168491, Orphanet 228366, MedGen C1838571, MONDO:0012588, OMIM 610951.

Submission:

Labcorp Genetics (formerly Invitae), Labcorp
Classification: Pathogenic for Neuronal ceroid lipofuscinosis 7. Last evaluated: 2022-09-25. Review status: criteria provided, single submitter. Criteria: Invitae Variant Classification Sherloc (09022015). Collection method: clinical testing. Allele origin: germline.
Comment: This sequence change creates a premature translational stop signal (p.Leu275Valfs*12) in the MFSD8 gene. It is expected to result in an absent or disrupted protein product. Loss-of-function variants in MFSD8 are known to be pathogenic (PMID: 19177532, 25227500, 28586915). For these reasons, this variant has been classified as Pathogenic. This variant has not been reported in the literature in individuals affected with MFSD8-related conditions. This variant is not present in population databases (gnomAD no frequency).

Literature cited by the submitters: PubMed 19177532; PubMed 25227500; PubMed 28586915.

NM_001371596.2(MFSD8):c.823_824del (p.Leu275fs)

Gene: MFSD8 (major facilitator superfamily domain containing 8; minus strand). Cytogenetic location: 4q28.2.
Variant type: Deletion.
Coding change: c.823_824del on transcript NM_001371596.2 (MANE Select); coding-DNA positions 823 to 824, 2 bases deleted (CT; older notation c.823_824delCT).
Protein change: p.Leu275fs; shifts the reading frame from leucine 275.
Molecular consequence: frameshift variant.
Genome position (GRCh38, 1-based): chr4:127,933,024-127,933,025, AG deleted on the plus strand (CT on the coding strand, the reverse complement: MFSD8 is on the minus strand); deleting any 2 consecutive bases within chr4:127,933,024-127,933,026 gives the same sequence; the c. name uses the placement nearest the transcript's 3' end. VCF-style (leftmost placement, unchanged base first): chr4-127933023-CAG-C. GRCh37 (hg19) VCF-style: chr4-128854178-CAG-C.
Other names: c.621_622delTC, p.Leu208Valfs (NM_001363520.3); c.507_508delTC, p.Leu170Valfs (NM_001363521.3); c.687_688delTC, p.Leu230Valfs (NM_001371590.2); c.822_823delTC, p.Leu275Valfs (NM_001371591.2); c.828_829delTC, p.Leu277Valfs (NM_001371592.2); c.708_709delTC, p.Leu237Valfs (NM_001371593.2, NM_001410766.1); c.675_676delTC, p.Leu226Valfs (NM_001371594.2); c.541_542del, p.Leu181fs (NM_001371595.1); and 2 more; short protein forms L226fs, L230fs, L237fs, L170fs, L208fs, L277fs, L181fs, L275fs.
Identifiers: ClinVar variation 1965108 (VCV001965108.5), dbSNP rs2546093861, ClinGen allele CA2580071498.